The following is an entry in ClinVar:

NM_004614.5(TK2):c.676_677dup (p.Pro227fs)

Gene: TK2 (thymidine kinase 2; minus strand). Cytogenetic location: 16q21.
Variant type: Duplication.
Coding change: c.676_677dup on transcript NM_004614.5 (MANE Select); coding-DNA positions 676 to 677, 2 bases duplicated (TT; older notation c.676_677dupTT).
Protein change: p.Pro227fs; shifts the reading frame from proline 227.
Molecular consequence: frameshift variant. On other transcripts: non-coding transcript variant (1).
Genome position (GRCh38, 1-based): chr16:66,513,753-66,513,754, AA duplicated on the plus strand (TT on the coding strand, the reverse complement: TK2 is on the minus strand); duplicating any 2 consecutive bases within chr16:66,513,753-66,513,756 gives the same sequence; the c. name uses the placement nearest the transcript's 3' end. VCF-style (leftmost placement, unchanged base first): chr16-66513752-G-GAA. GRCh37 (hg19) VCF-style: chr16-66547655-G-GAA.
Other names: c.583_584dup, p.Pro196fs (NM_001172643.1); c.601_602dup, p.Pro202fs (NM_001172644.2); c.622_623dup, p.Pro209fs (NM_001172645.2); c.529_530dup, p.Pro178fs (NM_001271934.2); c.414_415dup, p.Ser139fs (NM_001271935.1); c.385_386dup, p.Pro130fs (NM_001272050.2); short protein forms P130fs, P178fs, P196fs, P202fs, P209fs, P227fs, S139fs.
Identifiers: ClinVar variation 4686628 (VCV004686628.1).

ClinVar aggregate classification (germline): Likely pathogenic (1 of 4 stars; one submission).

Conditions:
Mitochondrial disease. Also called: Mitochondrial disorder; Mitochondrial disorders. Identifiers: Orphanet 68380, MedGen C0751651, MeSH D028361, MONDO:0044970.

Submission:

Genomenon, Inc
Classification: Likely pathogenic for Mitochondrial disease. Last evaluated: 2025-11-24. Review status: criteria provided, single submitter. Criteria: Genomenon Sequence Variant Interpretation Standards - Updated. Collection method: curation. Allele origin: germline. Affected: yes.
Comment: TK2 p.Pro227SerfsTer9 (c.676_677dup) is a frameshift variant that results in the production of a truncated protein which is predicted to have a deleterious effect on TK2 gene function. This variant has been observed in a proband affected with mitochondrial disease in the compound heterozygous state (38544965). This variant is not present at a significant frequency in gnomAD. In conclusion, we classify TK2 p.Pro227SerfsTer9 (c.676_677dup) as a likely pathogenic variant.

Literature cited by the submitters: PubMed 38544965.